The following is an entry in ClinVar:

NM_000372.5(TYR):c.1063G>T (p.Ala355Ser)

Gene: TYR (tyrosinase; plus strand). Cytogenetic location: 11q14.3.
Variant type: single nucleotide variant.
Coding change: c.1063G>T on transcript NM_000372.5 (MANE Select); coding-DNA position 1063, G replaced by T.
Protein change: p.Ala355Ser; replaces alanine 355 with serine.
Molecular consequence: missense variant.
Genome position (GRCh38, 1-based): chr11:89,227,849, G>T. VCF-style: chr11-89227849-G-T. GRCh37 (hg19) VCF-style: chr11-88961017-G-T.
Other names: short protein forms A355S.
Identifiers: ClinVar variation 3340050 (VCV003340050.1).
Genomic context (GRCh38, chr11:89,227,849, plus strand): 5'-AAACATATTTTTTTCATTTTTTTTTAATGAACAGGATTTGCTAGTCCACTTACTGGGATA[G>T]CGGATGCCTCTCAAAGCAGCATGCACAATGCCTTGCACATCTATATGAATGGAACAATGT-3'
Protein context (NP_000363.1, residues 345-365): EGFASPLTGI[Ala355Ser]DASQSSMHNA

ClinVar aggregate classification (germline): Uncertain significance (1 of 4 stars; one submission).

Submission:

Women's Health and Genetics/Laboratory Corporation of America, LabCorp
Classification: Uncertain significance. Last evaluated: 2024-06-14. Review status: criteria provided, single submitter. Criteria: LabCorp Variant Classification Summary - May 2015. Collection method: clinical testing. Allele origin: germline.
Comment: Variant summary: TYR c.1063G>T (p.Ala355Ser) results in a conservative amino acid change located in the Tyrosinase copper-binding domain (IPR002227) of the encoded protein sequence. Three of five in-silico tools predict a benign effect of the variant on protein function. The variant was absent in 250640 control chromosomes. The available data on variant occurrences in the general population are insufficient to allow any conclusion about variant significance. To our knowledge, no occurrence of c.1063G>T in individuals affected with TYR-related conditions and no experimental evidence demonstrating its impact on protein function have been reported. No submitters have cited clinical-significance assessments for this variant to ClinVar. Based on the evidence outlined above, the variant was classified as uncertain significance.